The following is an entry in ClinVar:

ClinVar aggregate classification (germline): Uncertain significance. Review status: criteria provided, multiple submitters, no conflicts (2 of 4 stars). 2 submissions from 2 submitters: Uncertain significance (2). Last evaluated 2026-06-01.

Conditions:
Familial thoracic aortic aneurysm and aortic dissection (TAAD). Also called: Thoracic aortic aneurysms and dissections. Identifiers: Orphanet 91387, MedGen C4707243, MONDO:0019625.

Allele frequency attached by ClinVar (database versions not stated): TOPMed below 0.00001; gnomAD exomes 0.00001.
gnomAD v4.1: 9 of 1,612,322 alleles (0.00056%); highest among the groups gnomAD compares: Admixed American, 0.0017%; no homozygotes.

Submissions (2):

Ambry Genetics
Classification: Uncertain significance for Familial thoracic aortic aneurysm and aortic dissection. Last evaluated: 2026-06-01. Review status: criteria provided, single submitter. Criteria: Ambry Variant Classification Scheme 2023. Collection method: clinical testing. Allele origin: germline.
Comment: The p.R912W variant (also known as c.2734C>T), located in coding exon 21 of the MYH11 gene, results from a C to T substitution at nucleotide position 2734. The arginine at codon 912 is replaced by tryptophan, an amino acid with dissimilar properties. This amino acid position is conserved. In addition, this alteration is predicted to be deleterious by in silico analysis. Based on the available evidence, the clinical significance of this variant remains unclear.

All of Us Research Program, National Institutes of Health
Classification: Uncertain significance for Familial thoracic aortic aneurysm and aortic dissection. Last evaluated: 2023-05-15. Review status: criteria provided, single submitter. Criteria: ACMG Guidelines, 2015. Collection method: clinical testing. Allele origin: germline. Inheritance: Autosomal dominant inheritance. Observed: 1 variant allele, 1 heterozygote.
Comment: This missense variant replaces arginine with tryptophan at codon 919 of the MYH11 protein. Computational prediction suggests that this variant may have deleterious impact on protein structure and function (internally defined REVEL score threshold >= 0.7, PMID: 27666373). To our knowledge, functional studies have not been reported for this variant. This variant has not been reported in individuals affected with MYH11-related disorders in the literature. This variant has been identified in 2/250216 chromosomes in the general population by the Genome Aggregation Database (gnomAD). The available evidence is insufficient to determine the role of this variant in disease conclusively. Therefore, this variant is classified as a Variant of Uncertain Significance.

This study involves interpretation of variants in research participants for the purpose of population health screening. Participant phenotype was not available at the time of variant classification. Additional details can be found in publication PMID: 35346344, PMCID: PMC8962531

NM_002474.3(MYH11):c.2734C>T (p.Arg912Trp)

Gene: MYH11 (myosin heavy chain 11; minus strand). Cytogenetic location: 16p13.11.
Variant type: single nucleotide variant.
Coding change: c.2734C>T on transcript NM_002474.3 (MANE Select); coding-DNA position 2734, C replaced by T.
Protein change: p.Arg912Trp; replaces arginine 912 with tryptophan.
Molecular consequence: missense variant.
Genome position (GRCh38, 1-based): chr16:15,741,588, G>A on the plus strand (C>T on the coding strand, the complement: MYH11 is on the minus strand). VCF-style: chr16-15741588-G-A. GRCh37 (hg19) VCF-style: chr16-15835445-G-A.
Other names: c.2755C>T, p.Arg919Trp (NM_001040113.2, NM_001040114.2); c.2734C>T, p.Arg912Trp (NM_022844.3); c.2734C>T (NM_002474.2); short protein forms R912W, R919W.
Identifiers: ClinVar variation 3070968 (VCV003070968.3), dbSNP rs918714049, ClinGen allele CA278627265.